The following is an entry in ClinVar:

NM_001009999.3(KDM1A):c.869T>C (p.Ile290Thr)

Gene: KDM1A (lysine demethylase 1A; plus strand). Cytogenetic location: 1p36.12.
Variant type: single nucleotide variant.
Coding change: c.869T>C on transcript NM_001009999.3 (MANE Select); coding-DNA position 869, T replaced by C.
Protein change: p.Ile290Thr; replaces isoleucine 290 with threonine.
Molecular consequence: missense variant.
Genome position (GRCh38, 1-based): chr1:23,055,147, T>C. VCF-style: chr1-23055147-T-C. GRCh37 (hg19) VCF-style: chr1-23381640-T-C.
Other names: c.809T>C, p.Ile270Thr (NM_001363654.2, NM_001410763.1, NM_015013.4); c.869T>C, p.Ile290Thr (NM_001410762.1); short protein forms I270T, I290T.
Identifiers: ClinVar variation 3863294 (VCV003863294.1).

ClinVar aggregate classification (germline): Uncertain significance (1 of 4 stars; one submission).

Conditions:
Inborn genetic diseases. Identifiers: MedGen C0950123, MeSH D030342.

Submission:

Ambry Genetics
Classification: Uncertain significance for Inborn genetic diseases. Last evaluated: 2025-01-30. Review status: criteria provided, single submitter. Criteria: Ambry Variant Classification Scheme 2023. Collection method: clinical testing. Allele origin: germline.
Comment: The p.I290T variant (also known as c.869T>C), located in coding exon 6 of the KDM1A gene, results from a T to C substitution at nucleotide position 869. The isoleucine at codon 290 is replaced by threonine, an amino acid with similar properties. This amino acid position is conserved. In addition, this alteration is predicted to be tolerated by in silico analysis. Based on the available evidence, the clinical significance of this variant remains unclear.